The following is an entry in ClinVar:

ClinVar aggregate classification (germline): Uncertain significance (1 of 4 stars; one submission).

gnomAD v4.1: 2 of 1,613,728 alleles (0.00012%); highest among the groups gnomAD compares: Non-Finnish European, 0.00017%; no homozygotes.

Submission:

Labcorp Genetics (formerly Invitae), Labcorp
Classification: Uncertain significance. Last evaluated: 2022-10-25. Review status: criteria provided, single submitter. Criteria: Invitae Variant Classification Sherloc (09022015). Collection method: clinical testing. Allele origin: germline.
Comment: This sequence change replaces proline, which is neutral and non-polar, with arginine, which is basic and polar, at codon 162 of the MYO18B protein (p.Pro162Arg). This variant is not present in population databases (gnomAD no frequency). This variant has not been reported in the literature in individuals affected with MYO18B-related conditions. Algorithms developed to predict the effect of missense changes on protein structure and function are either unavailable or do not agree on the potential impact of this missense change (SIFT: "Not Available"; PolyPhen-2: "Probably Damaging"; Align-GVGD: "Not Available"). In summary, the available evidence is currently insufficient to determine the role of this variant in disease. Therefore, it has been classified as a Variant of Uncertain Significance.

NM_032608.7(MYO18B):c.485C>G (p.Pro162Arg)

Gene: MYO18B (myosin XVIIIB; plus strand). Cytogenetic location: 22q12.1.
Variant type: single nucleotide variant.
Coding change: c.485C>G on transcript NM_032608.7 (MANE Select); coding-DNA position 485, C replaced by G.
Protein change: p.Pro162Arg; replaces proline 162 with arginine.
Molecular consequence: missense variant.
Genome position (GRCh38, 1-based): chr22:25,768,401, C>G. VCF-style: chr22-25768401-C-G. GRCh37 (hg19) VCF-style: chr22-26164368-C-G.
Other names: c.485C>G, p.Pro162Arg (NM_001318245.2); short protein forms P162R.
Identifiers: ClinVar variation 1977545 (VCV001977545.5), dbSNP rs199995534, ClinGen allele CA411001892.
Genomic context (GRCh38, chr22:25,768,401, plus strand): 5'-TCCCCTTCAAGAGGGGCGTGAGGAGGGGTGATGTGTTGTTGATGGTGGCCAAGCTGGACC[C>G]GGACTCAGCCAAGCCAGAGAAGACTCATCCCCATGACGCCCCCCCTTGCAAGACCTCTCC-3'
Protein context (NP_115997.5, residues 152-172): DVLLMVAKLD[Pro162Arg]DSAKPEKTHP